The following is an entry in ClinVar:

NM_001365536.1(SCN9A):c.5602A>C (p.Met1868Leu)

Genes: SCN1A-AS1 (SCN1A and SCN9A antisense RNA 1; plus strand), SCN9A (sodium voltage-gated channel alpha subunit 9; minus strand). Cytogenetic location: 2q24.3.
Variant type: single nucleotide variant.
Coding change: c.5602A>C on transcript NM_001365536.1 (MANE Select); coding-DNA position 5602, A replaced by C.
Protein change: p.Met1868Leu; replaces methionine 1868 with leucine.
Molecular consequence: missense variant.
Genome position (GRCh38, 1-based): chr2:166,199,037, T>G on the plus strand (A>C on the coding strand, the complement: SCN9A is on the minus strand). VCF-style: chr2-166199037-T-G. GRCh37 (hg19) VCF-style: chr2-167055547-T-G.
Other names: c.5569A>C, p.Met1857Leu (NM_002977.4); short protein forms M1857L, M1868L.
Identifiers: ClinVar variation 852779 (VCV000852779.11), dbSNP rs776299330, ClinGen allele CA1943649.
Genomic context (GRCh38, chr2:166,199,037, plus strand): 5'-GTTTCCGTTTTAGTGTGGTTGTGATGGGTTCATAGGACACTTTGGAAGGATTTGCAGACA[T>G]GAACCTTTCTTCCATCTGTGAACGAAGAGAATCCATCTCCCCACTCTCACCCAAAACACG-3'
Protein context (NP_001352465.1, residues 1858-1878): SLRSQMEERF[Met1868Leu]SANPSKVSYE

ClinVar aggregate classification (germline): Uncertain significance. Review status: criteria provided, multiple submitters, no conflicts (2 of 4 stars). 2 submissions from 2 submitters: Uncertain significance (2). Last evaluated 2023-12-19.

Conditions:
Generalized epilepsy with febrile seizures plus, type 7 (GEFSP7). Also called: GEFS+, TYPE 7. Identifiers: Orphanet 36387, MedGen C2751778, MONDO:0013470, OMIM 613863.
Neuropathy, hereditary sensory and autonomic, type 2A (HSAN2A). Also called: WNK1-Related HSAN2 (HSAN2A); MORVAN DISEASE; NEUROPATHY, CONGENITAL SENSORY; NEUROPATHY, HEREDITARY SENSORY RADICULAR, AUTOSOMAL RECESSIVE; NEUROPATHY, HEREDITARY SENSORY, TYPE IIA; NEUROPATHY, PROGRESSIVE SENSORY, OF CHILDREN. Identifiers: Orphanet 970, MedGen C2752089, MONDO:0024309, OMIM 201300.

Allele frequency attached by ClinVar (database versions not stated): gnomAD exomes below 0.00001 and 0.00001; TOPMed below 0.00001; ExAC 0.00001; gnomAD 0.00001.

Submissions (2):

Blueprint Genetics
Classification: Uncertain significance. Last evaluated: 2023-12-19. Review status: criteria provided, single submitter. Criteria: ACMG Guidelines, 2015. Collection method: clinical testing. Allele origin: germline.

Labcorp Genetics (formerly Invitae), Labcorp
Classification: Uncertain significance for Neuropathy, hereditary sensory and autonomic, type 2A; Generalized epilepsy with febrile seizures plus, type 7. Last evaluated: 2022-02-18. Review status: criteria provided, single submitter. Criteria: Invitae Variant Classification Sherloc (09022015). Collection method: clinical testing. Allele origin: germline.
Comment: ClinVar contains an entry for this variant (Variation ID: 852779). This variant has not been reported in the literature in individuals affected with SCN9A-related conditions. This variant is present in population databases (rs776299330, gnomAD 0.0009%). This sequence change replaces methionine, which is neutral and non-polar, with leucine, which is neutral and non-polar, at codon 1857 of the SCN9A protein (p.Met1857Leu). Algorithms developed to predict the effect of missense changes on protein structure and function (SIFT, PolyPhen-2, Align-GVGD) all suggest that this variant is likely to be tolerated. In summary, the available evidence is currently insufficient to determine the role of this variant in disease. Therefore, it has been classified as a Variant of Uncertain Significance.